The following is an entry in ClinVar:

NM_007294.4(BRCA1):c.5096G>C (p.Arg1699Pro)

Gene: BRCA1 (BRCA1 DNA repair associated; minus strand). Cytogenetic location: 17q21.31.
Variant type: single nucleotide variant.
Coding change: c.5096G>C on transcript NM_007294.4 (MANE Select); coding-DNA position 5096, G replaced by C.
Protein change: p.Arg1699Pro; replaces arginine 1699 with proline.
Molecular consequence: missense variant. On other transcripts: non-coding transcript variant (1).
Genome position (GRCh38, 1-based): chr17:43,063,930, C>G on the plus strand (G>C on the coding strand, the complement: BRCA1 is on the minus strand). VCF-style: chr17-43063930-C-G. GRCh37 (hg19) VCF-style: chr17-41215947-C-G.
Other names: NM_007294.4(BRCA1):c.5096G>C; p.Arg1699Pro; c.5012G>C, p.Arg1671Pro (NM_001407661.1, NM_001407662.1, NM_001407663.1 and 2 more transcripts); c.4973G>C, p.Arg1658Pro (NM_001407664.1, NM_001407665.1, NM_001407666.1 and 6 more transcripts); c.4970G>C, p.Arg1657Pro (NM_001407670.1, NM_001407680.1, NM_001407939.1 and 10 more transcripts); c.4949G>C, p.Arg1650Pro (NM_001407849.1, NM_001407850.1, NM_001407851.1 and 12 more transcripts); c.5096G>C, p.Arg1699Pro (NM_001407854.1, NM_001407593.1, NM_001407594.1 and 7 more transcripts); c.5093G>C, p.Arg1698Pro (NM_001407858.1, NM_001407859.1, NM_001407860.1 and 17 more transcripts); and 73 more; short protein forms R1699P, R1652P, R1720P, R595P, R1545P, R1571P, R1588P, R1611P.
Identifiers: ClinVar variation 55397 (VCV000055397.26), dbSNP rs41293459, ClinGen allele CA003236.

ClinVar aggregate classification (germline): Uncertain significance. Review status: reviewed by expert panel (3 of 4 stars). 9 submissions from 9 submitters: Uncertain significance (1). 8 of the submissions do not count toward it. Last evaluated 2025-08-25.

Conditions:
BRCA1-related cancer predisposition. Identifiers: MedGen CN377757, MONDO:0700268.
Hereditary breast ovarian cancer syndrome. Also called: Breast and ovarian cancer; Hereditary breast and ovarian cancer syndrome; BRCA1- and BRCA2-Associated Hereditary Breast and Ovarian Cancer; Hereditary breast and ovarian cancer syndrome (HBOC); Hereditary breast and/or ovarian cancer syndrome; Hereditary breast and ovarian cancer. Identifiers: Orphanet 145, MedGen C0677776, MeSH D061325, MONDO:0003582. Disease mechanism: loss of function.
Breast-ovarian cancer, familial, susceptibility to, 1 (BROVCA1). Also called: BRCA1 Hereditary Breast and Ovarian Cancer; OVARIAN CANCER, SUSCEPTIBILITY TO. Identifiers: Orphanet 145, MedGen C2676676, MONDO:0011450, OMIM 604370. Disease mechanism: loss of function.
Hereditary cancer-predisposing syndrome. Also called: Hereditary neoplastic syndrome; Neoplastic Syndromes, Hereditary; Hereditary Cancer Syndrome; Tumor predisposition. Identifiers: Orphanet 140162, MedGen C0027672, MeSH D009386, MONDO:0015356.
Familial cancer of breast. Also called: hereditary breast carcinoma; Hereditary breast cancer; BREAST CANCER, FAMILIAL. Identifiers: Orphanet 227535, MedGen C0346153, MONDO:0016419, OMIM 114480. Disease mechanism: loss of function.

Submissions (10):

ClinGen ENIGMA BRCA1 and BRCA2 Variant Curation Expert Panel, ClinGen
Classification: Uncertain significance for BRCA1-related cancer predisposition. Last evaluated: 2025-08-25. Review status: reviewed by expert panel. Criteria: CSpec BRCA1/2ACMG Rules Specifications V1.2. Collection method: curation. Allele origin: germline. Inheritance: Autosomal dominant inheritance.
Comment: The c.5096G>C variant in BRCA1 is a missense variant predicted to cause substitution of Arginine by Proline at amino acid 1699 (p.(Arg1699Pro)). This variant is absent from gnomAD v2.1 (exomes only, non-cancer subset, read depth ≥25) and gnomAD v3.1 (non-cancer subset, read depth ≥25) (PM2_Supporting met). Reported by three calibrated studies with discordant results. Functional effect similar to benign control variants (PMID:38709234) and to pathogenic control variants (PMID:30209399, 35196514) (PS3 and BS3 not met). This BRCA1 missense variant is within a key functional domain and the computational predictor BayesDel (noAF) gives a score of 0.43, above the recommended threshold of 0.28 for prediction of impact on BRCA1 function via protein change. A SpliceAI score of 0.01 predicts no impact on splicing (score threshold <0.10) (PP3 met). In summary, this variant meets the criteria to be classified as a Variant of uncertain significance for BRCA1-related cancer predisposition based on the ACMG/AMP criteria applied as specified by the ENIGMA BRCA1/2 VCEP (PM2_Supporting, PP3).

German Consortium for Hereditary Breast and Ovarian Cancer, University Hospital Cologne
Classification: Uncertain significance for Hereditary breast ovarian cancer syndrome. Last evaluated: 2026-09-08. Review status: criteria provided, single submitter. Criteria: ClinGen BRCA1 1.2.0. Collection method: curation. Allele origin: germline. Not counted in ClinVar's aggregate classification.
Comment: see ENIGMA classification in ClinVar; This classification follows the ClinGen ENIGMA BRCA1 v1.2.0 classification scheme; We chose these criteria: PM2 (supporting pathogenic): absent from gnomAD v2/3/4, PP3 (supporting pathogenic): variant inside a (potentially) clinically important functional domain & BayesDel (no AF) > 0.28 (0.433797)

Ambry Genetics
Classification: Uncertain significance for Hereditary cancer-predisposing syndrome. Last evaluated: 2025-06-13. Review status: criteria provided, single submitter. Criteria: Ambry Variant Classification Scheme 2023. Collection method: clinical testing. Allele origin: germline. Not counted in ClinVar's aggregate classification.
Comment: The p.R1699P variant (also known as c.5096G>C), located in coding exon 16 of the BRCA1 gene, results from a G to C substitution at nucleotide position 5096. The arginine at codon 1699 is replaced by proline, an amino acid with dissimilar properties. Functional studies for this variant are conflicting. One functional study found that this nucleotide substitution is deleterious in a high throughput genome editing haploid cell survival assay (Findlay GM et al. Nature, 2018 10;562:217-222). Likewise, this variant was non-functional in homology directed repair and cisplatin resistance protein functional assays (Adamovich AI et al. Am J Hum Genet. 2022 Apr;109(4):618-630). Conversely, this variant behaved similar to wild-type in a transcription activation assay (Woods NT et al. NPJ Genom Med, 2016 Mar;1:). Based on internal structural analysis, R1699P disrupts the peptide binding interface (Clapperton JA et al. Nat. Struct. Mol. Biol., 2004 Jun;11:512-8). This amino acid position is highly conserved in available vertebrate species. In addition, this alteration is predicted to be deleterious by in silico analysis. Based on the available evidence, the clinical significance of this variant remains unclear.

Institute of Human Genetics, University of Leipzig Medical Center
Classification: Likely pathogenic for Familial cancer of breast. Last evaluated: 2024-12-09. Review status: criteria provided, single submitter. Criteria: ACMG Guidelines, 2015. Collection method: clinical testing. Allele origin: unknown. Inheritance: Autosomal dominant inheritance. Affected: yes. Not counted in ClinVar's aggregate classification.
Comment: Criteria applied: PS3,PM2_SUP,PP3

Women's Health and Genetics/Laboratory Corporation of America, LabCorp
Classification: Likely pathogenic for Hereditary breast ovarian cancer syndrome. Last evaluated: 2023-10-19. Review status: criteria provided, single submitter. Criteria: LabCorp Variant Classification Summary - May 2015. Collection method: clinical testing. Allele origin: germline. Not counted in ClinVar's aggregate classification.
Comment: Variant summary: BRCA1 c.5096G>C (p.Arg1699Pro) results in a non-conservative amino acid change located in the BRCT domain (IPR001357) of the encoded protein sequence. Five of five in-silico tools predict a damaging effect of the variant on protein function. The variant was absent in 251262 control chromosomes (gnomAD). To our knowledge, no occurrence of c.5096G>C in individuals affected with Hereditary Breast And Ovarian Cancer Syndrome has been reported. At least one functional study reports experimental evidence evaluating an impact on protein function and showed damaging effect of this variant on homology directed repair (HDR) activity (e.g. Findlay_2018). HDR assays qualify as a recognized gold standard on the basis of updated guidance provided by the ClinGen Sequence Variant Interpretation (SVI) working group. In addition, other variants (p.Arg1699Trp, p.Arg1699Gln) in this codon have been classified as pathogenic in out lab, supporting this residual is functional and clinical important for BRCA1. Three submitters have cited clinical-significance assessments for this variant to ClinVar after 2014 and classified this variant as uncertain significance (n=1) and likely pathogenic (n=2). Based on the evidence outlined above, the variant was classified as likely pathogenic.

Myriad Genetics, Inc.
Classification: Likely pathogenic for Breast-ovarian cancer, familial, susceptibility to, 1. Last evaluated: 2023-06-28. Review status: criteria provided, single submitter. Criteria: Myriad Autosomal Dominant, Autosomal Recessive and X-Linked Classification Criteria (2023). Collection method: clinical testing. Allele origin: unknown. Not counted in ClinVar's aggregate classification.
Comment: This variant is considered likely pathogenic. Functional studies indicate this variant impacts protein function [PMID: 30209399, 35196514].

Labcorp Genetics (formerly Invitae), Labcorp
Classification: Likely pathogenic for Hereditary breast ovarian cancer syndrome. Last evaluated: 2023-04-27. Review status: criteria provided, single submitter. Criteria: Invitae Variant Classification Sherloc (09022015). Collection method: clinical testing. Allele origin: germline. Not counted in ClinVar's aggregate classification.
Comment: This variant has not been reported in the literature in individuals affected with BRCA1-related conditions. In summary, the currently available evidence indicates that the variant is pathogenic, but additional data are needed to prove that conclusively. Therefore, this variant has been classified as Likely Pathogenic. This variant disrupts the p.Arg1699 amino acid residue in BRCA1. Other variant(s) that disrupt this residue have been determined to be pathogenic (PMID: 11157798, 11504767, 12827452, 16683254, 17574969, 20455026, 21324516, 21356067, 21473589, 22843421, 22889855, 24504028, 24728189, 25452441). This suggests that this residue is clinically significant, and that variants that disrupt this residue are likely to be disease-causing. Experimental studies are conflicting or provide insufficient evidence to determine the effect of this variant on BRCA1 function (PMID: 28781887). Advanced modeling performed at Invitae incorporating data from internal and/or published experimental studies (PMID: 30209399) indicates that this missense variant is expected to disrupt BRCA1 function. ClinVar contains an entry for this variant (Variation ID: 55397). This sequence change replaces arginine, which is basic and polar, with proline, which is neutral and non-polar, at codon 1699 of the BRCA1 protein (p.Arg1699Pro). This variant is not present in population databases (gnomAD no frequency).

Breast Cancer Information Core (BIC) (BRCA1)
Classification: Uncertain significance for Breast-ovarian cancer, familial 1. Last evaluated: 2010-12-17. Review status: no assertion criteria provided. Collection method: clinical testing. Allele origin: germline. Affected: yes. Observed: 1 variant allele. Not counted in ClinVar's aggregate classification.

Brotman Baty Institute, University of Washington
No classification provided (evidence only). Condition: Breast-ovarian cancer, familial 1. Review status: no classification provided. Collection method: in vitro. Allele origin: not applicable. Functional consequence: functionally_abnormal. Not counted in ClinVar's aggregate classification.
ClinVar note: "not provided" was previously submitted as the classification for the variant. However, the classification appeared to be based only on an observation of functional data so it was converted to no classification on 2025-07-30.

Baylor Genetics
Classification: Uncertain significance for Breast-ovarian cancer, familial, susceptibility to, 1. Last evaluated: 2023-07-01. Review status: flagged submission. Criteria: ACMG Guidelines, 2015. Collection method: clinical testing. Allele origin: unknown. Not counted in ClinVar's aggregate classification.
ClinVar note: Reason: Outlier claim with insufficient supporting evidence

Literature cited by the submitters: PubMed 15133502 (cited by Ambry Genetics); PubMed 28781887 (cited by 3 submitters); PubMed 30209399 (cited by 4 submitters); PubMed 35196514 (cited by Ambry Genetics and Myriad Genetics, Inc.); PubMed 30765603 (cited by Women's Health and Genetics/Laboratory Corporation of America, LabCorp); PubMed 32257056 (cited by Women's Health and Genetics/Laboratory Corporation of America, LabCorp); PubMed 36171434 (cited by Women's Health and Genetics/Laboratory Corporation of America, LabCorp); PubMed 32042831 (cited by Women's Health and Genetics/Laboratory Corporation of America, LabCorp); PubMed 11157798 (cited by Labcorp Genetics (formerly Invitae), Labcorp); PubMed 11504767 (cited by Labcorp Genetics (formerly Invitae), Labcorp); PubMed 12827452 (cited by Labcorp Genetics (formerly Invitae), Labcorp); PubMed 16683254 (cited by Labcorp Genetics (formerly Invitae), Labcorp); PubMed 17574969 (cited by Labcorp Genetics (formerly Invitae), Labcorp); PubMed 20455026 (cited by Labcorp Genetics (formerly Invitae), Labcorp); PubMed 21324516 (cited by Labcorp Genetics (formerly Invitae), Labcorp); PubMed 21356067 (cited by Labcorp Genetics (formerly Invitae), Labcorp); PubMed 21473589 (cited by Labcorp Genetics (formerly Invitae), Labcorp); PubMed 22843421 (cited by Labcorp Genetics (formerly Invitae), Labcorp); PubMed 22889855 (cited by Labcorp Genetics (formerly Invitae), Labcorp); PubMed 24504028 (cited by Labcorp Genetics (formerly Invitae), Labcorp); PubMed 24728189 (cited by Labcorp Genetics (formerly Invitae), Labcorp); PubMed 25452441 (cited by Labcorp Genetics (formerly Invitae), Labcorp).